The following is an entry in ClinVar:

ClinVar aggregate classification (germline): Uncertain significance (1 of 4 stars; one submission).

gnomAD v4.1: 26 of 1,604,000 alleles (0.0016%); highest among the groups gnomAD compares: Non-Finnish European, 0.0022%; no homozygotes.

Submission:

Labcorp Genetics (formerly Invitae), Labcorp
Classification: Uncertain significance. Last evaluated: 2024-11-07. Review status: criteria provided, single submitter. Criteria: Invitae Variant Classification Sherloc (09022015). Collection method: clinical testing. Allele origin: germline.
Comment: This sequence change replaces leucine, which is neutral and non-polar, with phenylalanine, which is neutral and non-polar, at codon 428 of the NALCN protein (p.Leu428Phe). The frequency data for this variant in the population databases is considered unreliable, as metrics indicate poor data quality at this position in the gnomAD database. This variant has not been reported in the literature in individuals affected with NALCN-related conditions. Invitae Evidence Modeling of protein sequence and biophysical properties (such as structural, functional, and spatial information, amino acid conservation, physicochemical variation, residue mobility, and thermodynamic stability) indicates that this missense variant is not expected to disrupt NALCN protein function with a negative predictive value of 80%. In summary, the available evidence is currently insufficient to determine the role of this variant in disease. Therefore, it has been classified as a Variant of Uncertain Significance.

NM_052867.4(NALCN):c.1282C>T (p.Leu428Phe)

Gene: NALCN (sodium leak channel, non-selective; minus strand). Cytogenetic location: 13q33.1.
Variant type: single nucleotide variant.
Coding change: c.1282C>T on transcript NM_052867.4 (MANE Select); coding-DNA position 1282, C replaced by T.
Protein change: p.Leu428Phe; replaces leucine 428 with phenylalanine.
Molecular consequence: missense variant.
Genome position (GRCh38, 1-based): chr13:101,237,907, G>A on the plus strand (C>T on the coding strand, the complement: NALCN is on the minus strand). VCF-style: chr13-101237907-G-A. GRCh37 (hg19) VCF-style: chr13-101890258-G-A.
Other names: c.1282C>T, p.Leu428Phe (NM_001350748.2, NM_001350749.2); c.1195C>T, p.Leu399Phe (NM_001350750.2, NM_001350751.2); short protein forms L428F, L399F.
Identifiers: ClinVar variation 3711651 (VCV003711651.2).